The following is an entry in ClinVar:

ClinVar aggregate classification (germline): Uncertain significance. Review status: criteria provided, multiple submitters, no conflicts (2 of 4 stars). 2 submissions from 2 submitters: Uncertain significance (2). Last evaluated 2025-05-02.

Conditions:
Inborn genetic diseases. Identifiers: MedGen C0950123, MeSH D030342.

Allele frequency attached by ClinVar (database versions not stated): ExAC 0.00001.
gnomAD v4.1: 43 of 1,612,576 alleles (0.0027%); highest among the groups gnomAD compares: African/African-American, 0.02%; 1 homozygote.

Submissions (2):

Ambry Genetics
Classification: Uncertain significance for Inborn genetic diseases. Last evaluated: 2025-05-02. Review status: criteria provided, single submitter. Criteria: Ambry Variant Classification Scheme 2023. Collection method: clinical testing. Allele origin: germline.

Labcorp Genetics (formerly Invitae), Labcorp
Classification: Uncertain significance. Last evaluated: 2022-07-27. Review status: criteria provided, single submitter. Criteria: Invitae Variant Classification Sherloc (09022015). Collection method: clinical testing. Allele origin: germline.
Comment: This sequence change replaces isoleucine, which is neutral and non-polar, with valine, which is neutral and non-polar, at codon 432 of the SI protein (p.Ile432Val). This variant is present in population databases (rs112053533, gnomAD 0.003%). This variant has not been reported in the literature in individuals affected with SI-related conditions. ClinVar contains an entry for this variant (Variation ID: 1499227). Algorithms developed to predict the effect of missense changes on protein structure and function (SIFT, PolyPhen-2, Align-GVGD) all suggest that this variant is likely to be tolerated. Algorithms developed to predict the effect of sequence changes on RNA splicing suggest that this variant may create or strengthen a splice site. In summary, the available evidence is currently insufficient to determine the role of this variant in disease. Therefore, it has been classified as a Variant of Uncertain Significance.

NM_001041.4(SI):c.1294A>G (p.Ile432Val)

Gene: SI (sucrase-isomaltase; minus strand). Cytogenetic location: 3q26.1.
Variant type: single nucleotide variant.
Coding change: c.1294A>G on transcript NM_001041.4 (MANE Select); coding-DNA position 1294, A replaced by G.
Protein change: p.Ile432Val; replaces isoleucine 432 with valine.
Molecular consequence: missense variant.
Genome position (GRCh38, 1-based): chr3:165,059,067, T>C on the plus strand (A>G on the coding strand, the complement: SI is on the minus strand). VCF-style: chr3-165059067-T-C. GRCh37 (hg19) VCF-style: chr3-164776855-T-C.
Other names: c.1294A>G (NM_001041.3); short protein forms I432V.
Identifiers: ClinVar variation 1499227 (VCV001499227.4), dbSNP rs112053533, ClinGen allele CA2691111.